The following is an entry in ClinVar:

ClinVar aggregate classification (germline): Uncertain significance. Review status: criteria provided, multiple submitters, no conflicts (2 of 4 stars). 3 submissions from 3 submitters: Uncertain significance (3). Last evaluated 2025-08-24.

Conditions:
Malignant hyperthermia, susceptibility to, 1 (MHS1). Also called: RYR1-Related Malignant Hyperthermia Susceptibility; Anesthesia related hyperthermia; Malignant hyperpyrexia; Fulminating hyperpyrexia; Pharmacogenic myopathy; Malignant hyperthermia suceptibility 1. Identifiers: Orphanet 423, MedGen C2930980, MONDO:0007783, OMIM 145600.

Allele frequency attached by ClinVar (database versions not stated): TOPMed below 0.00001; gnomAD exomes 0.00001; ExAC 0.00005.
gnomAD v4.1: 20 of 1,613,614 alleles (0.0012%); highest among the groups gnomAD compares: East Asian, 0.04%; no homozygotes.

Submissions (3):

Color Diagnostics, LLC DBA Color Health
Classification: Uncertain significance for Malignant hyperthermia, susceptibility to, 1. Last evaluated: 2025-08-24. Review status: criteria provided, single submitter. Criteria: ACMG Guidelines, 2015. Collection method: clinical testing. Allele origin: germline.
Comment: This missense variant replaces leucine with phenylalanine at codon 4769 of the RYR1 protein. Computational prediction suggests that this variant may not impact protein structure and function. To our knowledge, functional studies have not been reported for this variant. This variant has not been reported in individuals affected with RYR1-related disorders in the literature. This variant has been identified in 9/250088 chromosomes in the general population by the Genome Aggregation Database (gnomAD). The available evidence is insufficient to determine the role of this variant in disease conclusively. Therefore, this variant is classified as a Variant of Uncertain Significance.

Revvity Omics, Revvity
Classification: Uncertain significance. Last evaluated: 2025-02-23. Review status: criteria provided, single submitter. Criteria: ACMG Guidelines, 2015. Collection method: clinical testing. Allele origin: germline.

All of Us Research Program, National Institutes of Health
Classification: Uncertain significance for Malignant hyperthermia, susceptibility to, 1. Last evaluated: 2023-11-30. Review status: criteria provided, single submitter. Criteria: ACMG Guidelines, 2015. Collection method: clinical testing. Allele origin: germline. Inheritance: Autosomal dominant inheritance. Observed: 2 variant alleles, 2 heterozygotes.
Comment: This missense variant replaces leucine with phenylalanine at codon 4769 of the RYR1 protein. Computational prediction suggests that this variant may not impact protein structure and function (internally defined REVEL score threshold <= 0.5, PMID: 27666373). To our knowledge, functional studies have not been reported for this variant. This variant has not been reported in individuals affected with RYR1-related disorders in the literature. This variant has been identified in 9/250088 chromosomes in the general population by the Genome Aggregation Database (gnomAD). The available evidence is insufficient to determine the role of this variant in disease conclusively. Therefore, this variant is classified as a Variant of Uncertain Significance.

This study involves interpretation of variants in research participants for the purpose of population health screening. Participant phenotype was not available at the time of variant classification. Additional details can be found in publication PMID: 35346344, PMCID: PMC8962531

NM_000540.3(RYR1):c.14305C>T (p.Leu4769Phe)

Gene: RYR1 (ryanodine receptor 1; plus strand). Cytogenetic location: 19q13.2.
Variant type: single nucleotide variant.
Coding change: c.14305C>T on transcript NM_000540.3 (MANE Select); coding-DNA position 14305, C replaced by T.
Protein change: p.Leu4769Phe; replaces leucine 4769 with phenylalanine.
Molecular consequence: missense variant.
Genome position (GRCh38, 1-based): chr19:38,578,145, C>T. VCF-style: chr19-38578145-C-T. GRCh37 (hg19) VCF-style: chr19-39068785-C-T.
Other names: c.14290C>T, p.Leu4764Phe (NM_001042723.2); short protein forms L4764F, L4769F.
Identifiers: ClinVar variation 3070283 (VCV003070283.3), dbSNP rs755948352, ClinGen allele CA061104.
Genomic context (GRCh38, chr19:38,578,145, plus strand): 5'-GCAGGGGAGGTGACTGGAGTCTGACACTCAAGCATCTCTCCCCACCCCCGCCCCCACAGG[C>T]TCATGTCCATCGATGTCAAGTACCAGATCTGGAAGTTCGGGGTCATCTTCACAGACAACG-3'
Protein context (NP_000531.2, residues 4759-4779): PNPPPGLLTW[Leu4769Phe]MSIDVKYQIW